The following is an entry in ClinVar:

NM_017763.6(RNF43):c.58A>G (p.Thr20Ala)

Gene: RNF43 (ring finger protein 43; minus strand). Cytogenetic location: 17q22.
Variant type: single nucleotide variant.
Coding change: c.58A>G on transcript NM_017763.6 (MANE Select); coding-DNA position 58, A replaced by G.
Protein change: p.Thr20Ala; replaces threonine 20 with alanine.
Molecular consequence: missense variant.
Genome position (GRCh38, 1-based): chr17:58,415,520, T>C on the plus strand (A>G on the coding strand, the complement: RNF43 is on the minus strand). VCF-style: chr17-58415520-T-C. GRCh37 (hg19) VCF-style: chr17-56492881-T-C.
Other names: c.58A>G, p.Thr20Ala (NM_001305544.3); c.58A>G (NM_017763.4); short protein forms T20A.
Identifiers: ClinVar variation 963445 (VCV000963445.12), dbSNP rs759509150, ClinGen allele CA8673520.

ClinVar aggregate classification (germline): Conflicting classifications of pathogenicity. Review status: criteria provided, conflicting classifications (1 of 4 stars). 3 submissions from 3 submitters: Uncertain significance (2); Likely benign (1). Last evaluated 2025-02-26.

Conditions:
Sessile serrated polyposis cancer syndrome (SSPCS). Identifiers: Orphanet 157798, MedGen C4310714, MONDO:0014919, OMIM 617108.

Allele frequency attached by ClinVar (database versions not stated): ExAC 0.00001; gnomAD exomes 0.00001.
gnomAD v4.1: 13 of 1,612,306 alleles (0.00081%); highest among the groups gnomAD compares: Non-Finnish European, 0.00093%; no homozygotes.

Submissions (3):

Labcorp Genetics (formerly Invitae), Labcorp
Classification: Uncertain significance. Last evaluated: 2025-02-26. Review status: criteria provided, single submitter. Criteria: Invitae Variant Classification Sherloc (09022015). Collection method: clinical testing. Allele origin: germline.
Comment: This sequence change replaces threonine, which is neutral and polar, with alanine, which is neutral and non-polar, at codon 20 of the RNF43 protein (p.Thr20Ala). This variant is present in population databases (rs759509150, gnomAD 0.002%). This variant has not been reported in the literature in individuals affected with RNF43-related conditions. ClinVar contains an entry for this variant (Variation ID: 963445). An algorithm developed to predict the effect of missense changes on protein structure and function (PolyPhen-2) suggests that this variant is likely to be tolerated. In summary, the available evidence is currently insufficient to determine the role of this variant in disease. Therefore, it has been classified as a Variant of Uncertain Significance.

Ambry Genetics
Classification: Likely benign. Last evaluated: 2025-02-21. Review status: criteria provided, single submitter. Criteria: Ambry Variant Classification Scheme 2023. Collection method: clinical testing. Allele origin: germline.

Fulgent Genetics
Classification: Uncertain significance for Sessile serrated polyposis cancer syndrome. Last evaluated: 2024-05-29. Review status: criteria provided, single submitter. Criteria: ACMG Guidelines, 2015. Collection method: clinical testing. Allele origin: germline.